The following is an entry in ClinVar:

ClinVar aggregate classification (germline): Uncertain significance (1 of 4 stars; one submission).

Submission:

Women's Health and Genetics/Laboratory Corporation of America, LabCorp
Classification: Uncertain significance. Last evaluated: 2022-05-03. Review status: criteria provided, single submitter. Criteria: LabCorp Variant Classification Summary - May 2015. Collection method: clinical testing. Allele origin: germline.
Comment: Variant summary: This variant identified by MLPA involves a partial duplication of exon 11-intron12 in the PMS2 gene. Although the exact breakpoints of the duplication are not known, a presumed nomenclature of c.(1438_1850)_(1875_2007-1)dup has been designated for the purposes of this classification. The variant was absent in 21694 control chromosomes (gnomAD SVs). To our knowledge, no occurrence of c.(1438_1850)_(1875_2007-1)dup in individuals affected with Lynch Syndrome and no experimental evidence demonstrating an impact on protein function have been reported. A similar variant, EX11_in12dup, has been reported in one cancer patient (LaDuca_2014). This report does not provide unequivocal conclusions about association of the variant with Lynch Syndrome. No clinical diagnostic laboratories have submitted clinical-significance assessments for this variant to ClinVar after 2014 without evidence for independent evaluation. Based on the evidence outlined above, the variant was classified as uncertain significance.

Literature cited by the submitters: PubMed 24763289.

NC_000007.13:g.(6022623_6026521)_(6026546_6026958)dup

Gene: PMS2 (PMS1 homolog 2, mismatch repair system component; minus strand). Cytogenetic location: 7p22.1.
Variant type: Duplication.
Identifiers: ClinVar variation 1329001 (VCV001329001.2).